The following is an entry in ClinVar:

NM_015450.3(POT1):c.1287A>C (p.Gln429His)

Gene: POT1 (protection of telomeres 1; minus strand). Cytogenetic location: 7q31.33.
Variant type: single nucleotide variant.
Coding change: c.1287A>C on transcript NM_015450.3 (MANE Select); coding-DNA position 1287, A replaced by C.
Protein change: p.Gln429His; replaces glutamine 429 with histidine.
Molecular consequence: missense variant. On other transcripts: non-coding transcript variant (3).
Genome position (GRCh38, 1-based): chr7:124,841,055, T>G on the plus strand (A>C on the coding strand, the complement: POT1 is on the minus strand). VCF-style: chr7-124841055-T-G. GRCh37 (hg19) VCF-style: chr7-124481109-T-G.
Other names: c.894A>C, p.Gln298His (NM_001042594.2); short protein forms Q429H, Q298H.
Identifiers: ClinVar variation 475036 (VCV000475036.13), dbSNP rs777842421, ClinGen allele CA4465173.

ClinVar aggregate classification (germline): Conflicting classifications of pathogenicity. Review status: criteria provided, conflicting classifications (1 of 4 stars). 3 submissions from 3 submitters: Uncertain significance (2); Likely benign (1). Last evaluated 2026-01-13.

Conditions:
Tumor predisposition syndrome 3 (TPDS3). Also called: Glioma susceptibility 9; LONG TELOMERE SYNDROME, POT1-RELATED; POT1 Tumor Predisposition; Melanoma, cutaneous malignant, susceptibility to, 10. Identifiers: Orphanet 618, MedGen C4014476, MONDO:0014368, OMIM 615848.
Hereditary cancer-predisposing syndrome. Also called: Hereditary neoplastic syndrome; Hereditary Cancer Syndrome; Neoplastic Syndromes, Hereditary; Tumor predisposition. Identifiers: Orphanet 140162, MedGen C0027672, MeSH D009386, MONDO:0015356.

Allele frequency attached by ClinVar (database versions not stated): gnomAD exomes 0.00001 and 0.00002; ExAC 0.00002; TOPMed 0.00002.
gnomAD v4.1: 3 of 1,612,880 alleles (0.00019%); highest among the groups gnomAD compares: Admixed American, 0.005%; no homozygotes.

Submissions (3):

Labcorp Genetics (formerly Invitae), Labcorp
Classification: Uncertain significance for Tumor predisposition syndrome 3. Last evaluated: 2026-01-13. Review status: criteria provided, single submitter. Criteria: Invitae Variant Classification Sherloc (09022015). Collection method: clinical testing. Allele origin: germline.
Comment: This sequence change replaces glutamine, which is neutral and polar, with histidine, which is basic and polar, at codon 429 of the POT1 protein (p.Gln429His). This variant is present in population databases (rs777842421, gnomAD 0.01%). This variant has not been reported in the literature in individuals affected with POT1-related conditions. ClinVar contains an entry for this variant (Variation ID: 475036). Invitae Evidence Modeling of protein sequence and biophysical properties (such as structural, functional, and spatial information, amino acid conservation, physicochemical variation, residue mobility, and thermodynamic stability) indicates that this missense variant is not expected to disrupt POT1 protein function with a negative predictive value of 80%. In summary, the available evidence is currently insufficient to determine the role of this variant in disease. Therefore, it has been classified as a Variant of Uncertain Significance.

Ambry Genetics
Classification: Likely benign for Hereditary cancer-predisposing syndrome. Last evaluated: 2023-12-26. Review status: criteria provided, single submitter. Criteria: Ambry Variant Classification Scheme 2023. Collection method: clinical testing. Allele origin: germline.

GeneDx
Classification: Uncertain significance. Last evaluated: 2023-05-22. Review status: criteria provided, single submitter. Criteria: GeneDx Variant Classification Process June 2021. Collection method: clinical testing. Allele origin: germline. Affected: yes.
Comment: Not observed at significant frequency in large population cohorts (gnomAD); In silico analysis supports that this missense variant does not alter protein structure/function; Has not been previously published as pathogenic or benign to our knowledge; This variant is associated with the following publications: (PMID: 28393830)